The following is an entry in ClinVar:

NM_015089.4(CUL9):c.4218_4219del (p.Glu1406fs)

Gene: CUL9 (cullin 9; plus strand). Cytogenetic location: 6p21.1.
Variant type: Microsatellite.
Coding change: c.4218_4219del on transcript NM_015089.4 (MANE Select); coding-DNA positions 4218 to 4219, 2 bases deleted (GA; older notation c.4218_4219delGA).
Protein change: p.Glu1406fs; shifts the reading frame from glutamic acid 1406.
Molecular consequence: frameshift variant.
Genome position (GRCh38, 1-based): chr6:43,204,418-43,204,419, GA deleted; deleting any 2 consecutive bases within chr6:43,204,411-43,204,419 gives the same sequence; the c. name uses the placement nearest the transcript's 3' end. VCF-style (leftmost placement, unchanged base first): chr6-43204410-CAG-C. GRCh37 (hg19) VCF-style: chr6-43172148-CAG-C.
Other names: short protein forms E1406fs.
Identifiers: ClinVar variation 3061596 (VCV003061596.2), dbSNP rs2533738095, ClinGen allele CA645559452.

ClinVar aggregate classification (germline): Uncertain significance (0 of 4 stars; one submission).

Conditions:
CUL9-related disorder. Also called: CUL9-related condition.

Submission:

PreventionGenetics, part of Exact Sciences
Classification: Uncertain significance for CUL9-related condition. Last evaluated: 2024-02-13. Review status: no assertion criteria provided. Collection method: clinical testing. Allele origin: germline.
Comment: The CUL9 c.4218_4219delGA variant is predicted to result in a frameshift and premature protein termination (p.Glu1406Aspfs*35). To our knowledge, this variant has not been reported in the literature or in a large population database, indicating this variant is rare. Protein truncating variants have not been reported to our knowledge. However, a de novo splicing variant has been reported in an individual with autism spectrum disorder (Zhou et al. 2022. PubMed ID: 35982159). At this time, the clinical significance of this variant is uncertain due to the absence of conclusive functional and genetic evidence.